The following is an entry in ClinVar:

ClinVar aggregate classification (germline): Uncertain significance (1 of 4 stars; one submission).

Conditions:
PTPRU-related disorder. Also called: PTPRU-related condition.

gnomAD v4.1: 47 of 1,614,024 alleles (0.0029%); highest among the groups gnomAD compares: Middle Eastern, 0.033%; no homozygotes.

Submission:

PreventionGenetics, part of Exact Sciences
Classification: Uncertain significance for PTPRU-related condition. Last evaluated: 2025-02-19. Review status: criteria provided, single submitter. Criteria: ACMG Guidelines, 2015. Collection method: clinical testing. Allele origin: germline.
Comment: The PTPRU c.2425A>T variant is predicted to result in the amino acid substitution p.Ser809Cys. To our knowledge, this variant has not been reported in the literature. This variant is reported in 0.0029% of alleles in individuals of Latino descent in gnomAD. At this time, the clinical significance of this variant is uncertain due to the absence of conclusive functional and genetic evidence.

NM_133178.4(PTPRU):c.2395A>T (p.Ser799Cys)

Gene: PTPRU (protein tyrosine phosphatase receptor type U; plus strand). Cytogenetic location: 1p35.3.
Variant type: single nucleotide variant.
Coding change: c.2395A>T on transcript NM_133178.4 (MANE Select); coding-DNA position 2395, A replaced by T.
Protein change: p.Ser799Cys; replaces serine 799 with cysteine.
Molecular consequence: missense variant.
Genome position (GRCh38, 1-based): chr1:29,291,945, A>T. VCF-style: chr1-29291945-A-T. GRCh37 (hg19) VCF-style: chr1-29618457-A-T.
Other names: c.2395A>T, p.Ser799Cys (NM_001195001.2, NM_133177.4); c.2425A>T, p.Ser809Cys (NM_005704.5); short protein forms S809C, S799C.
Identifiers: ClinVar variation 4984560 (VCV004984560.1).
Genomic context (GRCh38, chr1:29,291,945, plus strand): 5'-ACCAAGGCCACCGTCAACTACCGCCAGGAGAAGACACACATGATGAGCGCCGTGGACCGC[A>T]GCTTCACAGACCAGAGCACCCTGCAGGAGGACGAGCGGCTGGGCCTGTCCTTCATGGACA-3'
Protein context (NP_573439.2, residues 789-809): KTHMMSAVDR[Ser799Cys]FTDQSTLQED